The following is an entry in ClinVar:

ClinVar aggregate classification (germline): Uncertain significance (1 of 4 stars; one submission).

Submission:

Labcorp Genetics (formerly Invitae), Labcorp
Classification: Uncertain significance. Last evaluated: 2017-12-18. Review status: criteria provided, single submitter. Criteria: Invitae Variant Classification Sherloc (09022015). Collection method: clinical testing. Allele origin: germline.
Comment: Algorithms developed to predict the effect of sequence changes on RNA splicing suggest that this variant may create or strengthen a splice site, but this prediction has not been confirmed by published transcriptional studies. This sequence change replaces aspartic acid with tyrosine at codon 1309 of the POLE protein (p.Asp1309Tyr). The aspartic acid residue is weakly conserved and there is a large physicochemical difference between aspartic acid and tyrosine. This variant is not present in population databases (ExAC no frequency). This variant has not been reported in the literature in individuals with POLE-related disease. Algorithms developed to predict the effect of missense changes on protein structure and function do not agree on the potential impact of this missense change (SIFT: "Deleterious"; PolyPhen-2: "Benign"; Align-GVGD: "Class C0"). In summary, the available evidence is currently insufficient to determine the role of this variant in disease. Therefore, it has been classified as a Variant of Uncertain Significance.

NM_006231.4(POLE):c.3925G>T (p.Asp1309Tyr)

Gene: POLE (DNA polymerase epsilon, catalytic subunit; minus strand). Cytogenetic location: 12q24.33.
Variant type: single nucleotide variant.
Coding change: c.3925G>T on transcript NM_006231.4 (MANE Select); coding-DNA position 3925, G replaced by T.
Protein change: p.Asp1309Tyr; replaces aspartic acid 1309 with tyrosine.
Molecular consequence: missense variant.
Genome position (GRCh38, 1-based): chr12:132,649,386, C>A on the plus strand (G>T on the coding strand, the complement: POLE is on the minus strand). VCF-style: chr12-132649386-C-A. GRCh37 (hg19) VCF-style: chr12-133225972-C-A.
Other names: short protein forms D1309Y.
Identifiers: ClinVar variation 540622 (VCV000540622.8), dbSNP rs1555223943, ClinGen allele CA387385093.